The following is an entry in ClinVar:

NM_001127671.2(LIFR):c.397del (p.Ser133fs)

Gene: LIFR (LIF receptor subunit alpha; minus strand). Cytogenetic location: 5p13.1.
Variant type: Deletion.
Coding change: c.397del on transcript NM_001127671.2 (MANE Select); coding-DNA position 397, one base deleted (T; older notation c.397delT).
Protein change: p.Ser133fs; shifts the reading frame from serine 133.
Molecular consequence: frameshift variant.
Genome position (GRCh38, 1-based): chr5:38,527,155, A deleted on the plus strand (T on the coding strand, the reverse complement: LIFR is on the minus strand); the first of 3 consecutive A bases (chr5:38,527,155-38,527,157); deleting any one gives the same sequence. VCF-style (leftmost placement, unchanged base first): chr5-38527154-CA-C. GRCh37 (hg19) VCF-style: chr5-38527256-CA-C.
Other names: c.397del, p.Ser133fs (NM_001364297.2, NM_001364298.2, NM_002310.6); short protein forms S133fs.
Identifiers: ClinVar variation 2848087 (VCV002848087.3), dbSNP rs2531130694, ClinGen allele CA2739274703.

ClinVar aggregate classification (germline): Pathogenic (1 of 4 stars; one submission).

Submission:

Labcorp Genetics (formerly Invitae), Labcorp
Classification: Pathogenic. Last evaluated: 2023-03-21. Review status: criteria provided, single submitter. Criteria: Invitae Variant Classification Sherloc (09022015). Collection method: clinical testing. Allele origin: germline.
Comment: This sequence change creates a premature translational stop signal (p.Ser133Profs*2) in the LIFR gene. It is expected to result in an absent or disrupted protein product. Loss-of-function variants in LIFR are known to be pathogenic (PMID: 14740318). This variant is not present in population databases (gnomAD no frequency). This variant has not been reported in the literature in individuals affected with LIFR-related conditions. Algorithms developed to predict the effect of sequence changes on RNA splicing suggest that this variant may disrupt the consensus splice site. For these reasons, this variant has been classified as Pathogenic.

Literature cited by the submitters: PubMed 14740318.